The following is an entry in ClinVar:

ClinVar aggregate classification (germline): Uncertain significance. Review status: criteria provided, single submitter (1 of 4 stars). 2 submissions from 2 submitters: Uncertain significance (1). 1 of the submissions does not count toward it. Last evaluated 2025-04-01.

Conditions:
PDZD2-related disorder. Also called: PDZD2-related condition.

Allele frequency attached by ClinVar (database versions not stated): gnomAD 0.00042; ESP Exome Variant Server 0.00046; TOPMed 0.00048; ExAC 0.00061; 1000 Genomes Project 0.00080; gnomAD exomes 0.00045; 1000 Genomes Project 30x 0.00078.
gnomAD v4.1: 720 of 1,504,512 alleles (0.048%); highest among the groups gnomAD compares: Middle Eastern, 1.2%; 1 homozygote.

Submissions (2):

Ambry Genetics
Classification: Uncertain significance. Last evaluated: 2025-04-01. Review status: criteria provided, single submitter. Criteria: Ambry Variant Classification Scheme 2023. Collection method: clinical testing. Allele origin: germline.

PreventionGenetics, part of Exact Sciences
Classification: Likely benign for PDZD2-related condition. Last evaluated: 2023-07-16. Review status: no assertion criteria provided. Collection method: clinical testing. Allele origin: germline. Not counted in ClinVar's aggregate classification.
Comment: This variant is classified as likely benign based on ACMG/AMP sequence variant interpretation guidelines (Richards et al. 2015 PMID: 25741868, with internal and published modifications).

NM_178140.4(PDZD2):c.2194A>C (p.Asn732His)

Gene: PDZD2 (PDZ domain containing 2; plus strand). Cytogenetic location: 5p13.3.
Variant type: single nucleotide variant.
Coding change: c.2194A>C on transcript NM_178140.4 (MANE Select); coding-DNA position 2194, A replaced by C.
Protein change: p.Asn732His; replaces asparagine 732 with histidine.
Molecular consequence: missense variant.
Genome position (GRCh38, 1-based): chr5:32,058,097, A>C. VCF-style: chr5-32058097-A-C. GRCh37 (hg19) VCF-style: chr5-32058203-A-C.
Other names: c.2194A>C (NM_178140.2); short protein forms N732H.
Identifiers: ClinVar variation 3056822 (VCV003056822.3), dbSNP rs144760557, ClinGen allele CA3219099.
Genomic context (GRCh38, chr5:32,058,097, plus strand): 5'-TCATCCCTGGGTCGGAAGACCCCTGGGCCCAAGGACAGGATCGTCATGGAAGTAACACTC[A>C]ACAAAGGTGATAGCAGCTATTCCTTACCTTTGTCTCATTTCTTGAATAACATTTTGGAAT-3'
Protein context (NP_835260.2, residues 722-742): KDRIVMEVTL[Asn732His]KEPRVGLGIG